The following is an entry in ClinVar:

NM_003738.5(PTCH2):c.1316C>T (p.Ser439Leu)

Gene: PTCH2 (patched 2; minus strand). Cytogenetic location: 1p34.1.
Variant type: single nucleotide variant.
Coding change: c.1316C>T on transcript NM_003738.5 (MANE Select); coding-DNA position 1316, C replaced by T.
Protein change: p.Ser439Leu; replaces serine 439 with leucine.
Molecular consequence: missense variant.
Genome position (GRCh38, 1-based): chr1:44,829,212, G>A on the plus strand (C>T on the coding strand, the complement: PTCH2 is on the minus strand). VCF-style: chr1-44829212-G-A. GRCh37 (hg19) VCF-style: chr1-45294884-G-A.
Other names: c.1316C>T, p.Ser439Leu (NM_001166292.2); short protein forms S439L.
Identifiers: ClinVar variation 2956797 (VCV002956797.3), dbSNP rs1330900923, ClinGen allele CA340103062.

ClinVar aggregate classification (germline): Uncertain significance (1 of 4 stars; one submission).

Conditions:
Gorlin syndrome. Also called: Nevoid Basal Cell Carcinoma Syndrome; Basal cell nevus syndrome. Identifiers: Orphanet 377, MedGen C0004779, MONDO:0007187.

Submission:

Labcorp Genetics (formerly Invitae), Labcorp
Classification: Uncertain significance for Gorlin syndrome. Last evaluated: 2024-01-17. Review status: criteria provided, single submitter. Criteria: Invitae Variant Classification Sherloc (09022015). Collection method: clinical testing. Allele origin: germline.
Comment: This sequence change replaces serine, which is neutral and polar, with leucine, which is neutral and non-polar, at codon 439 of the PTCH2 protein (p.Ser439Leu). This variant is present in population databases (no rsID available, gnomAD 0.0009%). This variant has not been reported in the literature in individuals affected with PTCH2-related conditions. Advanced modeling of protein sequence and biophysical properties (such as structural, functional, and spatial information, amino acid conservation, physicochemical variation, residue mobility, and thermodynamic stability) performed at Invitae indicates that this missense variant is not expected to disrupt PTCH2 protein function with a negative predictive value of 80%. In summary, the available evidence is currently insufficient to determine the role of this variant in disease. Therefore, it has been classified as a Variant of Uncertain Significance.